The following is an entry in ClinVar:

ClinVar aggregate classification (germline): Uncertain significance (1 of 4 stars; one submission).

Submission:

Labcorp Genetics (formerly Invitae), Labcorp
Classification: Uncertain significance. Last evaluated: 2023-06-22. Review status: criteria provided, single submitter. Criteria: Invitae Variant Classification Sherloc (09022015). Collection method: clinical testing. Allele origin: germline.
Comment: This sequence change replaces isoleucine, which is neutral and non-polar, with leucine, which is neutral and non-polar, at codon 1813 of the FN1 protein (p.Ile1813Leu). This variant is not present in population databases (gnomAD no frequency). This variant has not been reported in the literature in individuals affected with FN1-related conditions. An algorithm developed to predict the effect of missense changes on protein structure and function (PolyPhen-2) suggests that this variant is likely to be disruptive. In summary, the available evidence is currently insufficient to determine the role of this variant in disease. Therefore, it has been classified as a Variant of Uncertain Significance.

NM_212482.4(FN1):c.5437A>C (p.Ile1813Leu)

Gene: FN1 (fibronectin 1; minus strand). Cytogenetic location: 2q35.
Variant type: single nucleotide variant.
Coding change: c.5437A>C on transcript NM_212482.4 (MANE Select); coding-DNA position 5437, A replaced by C.
Protein change: p.Ile1813Leu; replaces isoleucine 1813 with leucine.
Molecular consequence: missense variant.
Genome position (GRCh38, 1-based): chr2:215,379,315, T>G on the plus strand (A>C on the coding strand, the complement: FN1 is on the minus strand). VCF-style: chr2-215379315-T-G. GRCh37 (hg19) VCF-style: chr2-216244038-T-G.
Other names: c.5437A>C, p.Ile1813Leu (NM_001306129.2); c.5167A>C, p.Ile1723Leu (NM_001306130.2, NM_001365517.2, NM_001365519.2 and 2 more transcripts); c.4894A>C, p.Ile1632Leu (NM_001306131.2, NM_001306132.2, NM_001365523.2 and 2 more transcripts); c.5164A>C, p.Ile1722Leu (NM_001365518.2, NM_001365520.2, NM_001365524.2 and 2 more transcripts); short protein forms I1813L, I1722L, I1632L, I1723L.
Identifiers: ClinVar variation 2803101 (VCV002803101.3), dbSNP rs1575357403, ClinGen allele CA350473398.